The following is an entry in ClinVar:

ClinVar aggregate classification (germline): Likely pathogenic. Review status: criteria provided, multiple submitters, no conflicts (2 of 4 stars). 3 submissions from 3 submitters: Likely pathogenic (2). 1 of the submissions does not count toward it. Last evaluated 2023-10-27.

Conditions:
Primary hyperoxaluria, type I (HP1). Also called: Primary hyperoxaluria type 1; GLYCOLIC ACIDURIA; HEPATIC AGT DEFICIENCY; OXALOSIS I. Identifiers: Orphanet 416, Orphanet 93598, MedGen C0268164, MONDO:0009823, OMIM 259900. Disease mechanism: loss of function.

gnomAD v4.1: 1 of 1,614,174 alleles (0.000062%); highest among the groups gnomAD compares: East Asian, 0.0022%; no homozygotes.

Submissions (3):

Rare Kidney Stone Consortium and the Mayo Clinic Hyperoxaluria Center, Mayo Clinic
Classification: Likely pathogenic for Primary hyperoxaluria, type I. Last evaluated: 2023-10-27. Review status: criteria provided, single submitter. Criteria: ACMG Guidelines, 2015. Collection method: clinical testing. Allele origin: germline. Affected: yes.
Comment: ACMG:PM2 PM3 PM5 PP3

Labcorp Genetics (formerly Invitae), Labcorp
Classification: Likely pathogenic. Last evaluated: 2022-06-15. Review status: criteria provided, single submitter. Criteria: Invitae Variant Classification Sherloc (09022015). Collection method: clinical testing. Allele origin: germline.
Comment: This sequence change replaces histidine, which is basic and polar, with aspartic acid, which is acidic and polar, at codon 261 of the AGXT protein (p.His261Asp). Advanced modeling of protein sequence and biophysical properties (such as structural, functional, and spatial information, amino acid conservation, physicochemical variation, residue mobility, and thermodynamic stability) performed at Invitae indicates that this missense variant is expected to disrupt AGXT protein function. Algorithms developed to predict the effect of sequence changes on RNA splicing suggest that this variant may create or strengthen a splice site. ClinVar contains an entry for this variant (Variation ID: 555895). This missense change has been observed in individual(s) with clinical features of primary hyperoxaluria (PMID: 25644115). This variant is present in population databases (no rsID available, gnomAD 0.006%). In summary, the currently available evidence indicates that the variant is pathogenic, but additional data are needed to prove that conclusively. Therefore, this variant has been classified as Likely Pathogenic. This variant disrupts the p.His261 amino acid residue in AGXT. Other variant(s) that disrupt this residue have been determined to be pathogenic (PMID: 17460142, 22923379). This suggests that this residue is clinically significant, and that variants that disrupt this residue are likely to be disease-causing.

Counsyl
Classification: Uncertain significance for Primary hyperoxaluria, type I. Last evaluated: 2018-01-08. Review status: no assertion criteria provided. Collection method: clinical testing. Allele origin: unknown. Not counted in ClinVar's aggregate classification.

Literature cited by the submitters: PubMed 25644115 (cited by 3 submitters); PubMed 17460142 (cited by Labcorp Genetics (formerly Invitae), Labcorp); PubMed 22923379 (cited by Labcorp Genetics (formerly Invitae), Labcorp).

NM_000030.3(AGXT):c.781C>G (p.His261Asp)

Gene: AGXT (alanine--glyoxylate aminotransferase; plus strand). Cytogenetic location: 2q37.3.
Variant type: single nucleotide variant.
Coding change: c.781C>G on transcript NM_000030.3 (MANE Select); coding-DNA position 781, C replaced by G.
Protein change: p.His261Asp; replaces histidine 261 with aspartic acid.
Molecular consequence: missense variant.
Genome position (GRCh38, 1-based): chr2:240,875,939, C>G. VCF-style: chr2-240875939-C-G. GRCh37 (hg19) VCF-style: chr2-241815356-C-G.
Other names: short protein forms H261D.
Identifiers: ClinVar variation 555895 (VCV000555895.7), dbSNP rs778567956, ClinGen allele CA351318296.